The following is an entry in ClinVar:

NM_006208.3(ENPP1):c.1714_1715del (p.Leu572fs)

Gene: ENPP1 (ectonucleotide pyrophosphatase/phosphodiesterase 1; plus strand). Cytogenetic location: 6q23.2.
Variant type: Deletion.
Coding change: c.1714_1715del on transcript NM_006208.3 (MANE Select); coding-DNA positions 1714 to 1715, 2 bases deleted (TT; older notation c.1714_1715delTT).
Protein change: p.Leu572fs; shifts the reading frame from leucine 572.
Molecular consequence: frameshift variant.
Genome position (GRCh38, 1-based): chr6:131,875,854-131,875,855, TT deleted. VCF-style (leftmost placement, unchanged base first): chr6-131875853-CTT-C. GRCh37 (hg19) VCF-style: chr6-132196993-CTT-C.
Other names: short protein forms L572fs.
Identifiers: ClinVar variation 3729736 (VCV003729736.2).

ClinVar aggregate classification (germline): Pathogenic (1 of 4 stars; one submission).

Submission:

Labcorp Genetics (formerly Invitae), Labcorp
Classification: Pathogenic. Last evaluated: 2025-02-03. Review status: criteria provided, single submitter. Criteria: Invitae Variant Classification Sherloc (09022015). Collection method: clinical testing. Allele origin: germline.
Comment: This sequence change creates a premature translational stop signal (p.Leu572Asnfs*3) in the ENPP1 gene. It is expected to result in an absent or disrupted protein product. Loss-of-function variants in ENPP1 are known to be pathogenic (PMID: 12881724, 15605415, 16369898, 20016754, 20137773, 22539483). This variant is not present in population databases (gnomAD no frequency). This variant has not been reported in the literature in individuals affected with ENPP1-related conditions. For these reasons, this variant has been classified as Pathogenic.

Literature cited by the submitters: PubMed 12881724; PubMed 15605415; PubMed 16369898; PubMed 20016754; PubMed 20137773; PubMed 22539483.